The following is an entry in ClinVar:

NM_001291303.3(FAT4):c.2632A>G (p.Met878Val)

Gene: FAT4 (FAT atypical cadherin 4; plus strand). Cytogenetic location: 4q28.1.
Variant type: single nucleotide variant.
Coding change: c.2632A>G on transcript NM_001291303.3 (MANE Select); coding-DNA position 2632, A replaced by G.
Protein change: p.Met878Val; replaces methionine 878 with valine.
Molecular consequence: missense variant.
Genome position (GRCh38, 1-based): chr4:125,319,043, A>G. VCF-style: chr4-125319043-A-G. GRCh37 (hg19) VCF-style: chr4-126240198-A-G.
Other names: c.2632A>G, p.Met878Val (NM_001291285.3, NM_024582.6); short protein forms M878V.
Identifiers: ClinVar variation 1448535 (VCV001448535.6), dbSNP rs773388017, ClinGen allele CA3072188.

ClinVar aggregate classification (germline): Uncertain significance (1 of 4 stars; one submission).

Allele frequency attached by ClinVar (database versions not stated): gnomAD exomes below 0.00001; ExAC 0.00001.
gnomAD v4.1: 2 of 1,614,152 alleles (0.00012%); highest among the groups gnomAD compares: Non-Finnish European, 0.000085%; no homozygotes.

Submission:

Labcorp Genetics (formerly Invitae), Labcorp
Classification: Uncertain significance. Last evaluated: 2022-08-23. Review status: criteria provided, single submitter. Criteria: Invitae Variant Classification Sherloc (09022015). Collection method: clinical testing. Allele origin: germline.
Comment: This sequence change replaces methionine, which is neutral and non-polar, with valine, which is neutral and non-polar, at codon 878 of the FAT4 protein (p.Met878Val). This variant is present in population databases (rs773388017, gnomAD no frequency). This variant has not been reported in the literature in individuals affected with FAT4-related conditions. ClinVar contains an entry for this variant (Variation ID: 1448535). Advanced modeling of protein sequence and biophysical properties (such as structural, functional, and spatial information, amino acid conservation, physicochemical variation, residue mobility, and thermodynamic stability) performed at Invitae indicates that this missense variant is not expected to disrupt FAT4 protein function. In summary, the available evidence is currently insufficient to determine the role of this variant in disease. Therefore, it has been classified as a Variant of Uncertain Significance.